The following is an entry in ClinVar:

ClinVar aggregate classification (germline): Uncertain significance (1 of 4 stars; one submission).

Conditions:
Hereditary sensory and autonomic neuropathy type 1 (HSAN1). Also called: HSN Type I; Hereditary Sensory Neuropathy Type I; HSAN 1. Identifiers: Orphanet 36386, MedGen C0020071, MONDO:0018213.

Submission:

Labcorp Genetics (formerly Invitae), Labcorp
Classification: Uncertain significance for Hereditary sensory and autonomic neuropathy type 1. Last evaluated: 2019-09-16. Review status: criteria provided, single submitter. Criteria: Invitae Variant Classification Sherloc (09022015). Collection method: clinical testing. Allele origin: germline.
Comment: This variant is not present in population databases (ExAC no frequency). In summary, the available evidence is currently insufficient to determine the role of this variant in disease. Therefore, it has been classified as a Variant of Uncertain Significance. Algorithms developed to predict the effect of missense changes on protein structure and function are either unavailable or do not agree on the potential impact of this missense change (SIFT: "Deleterious"; PolyPhen-2: "Possibly Damaging"; Align-GVGD: "Class C0"). This variant has not been reported in the literature in individuals with SPTLC1-related conditions. This sequence change replaces leucine with valine at codon 217 of the SPTLC1 protein (p.Leu217Val). The leucine residue is highly conserved and there is a small physicochemical difference between leucine and valine.

NM_006415.4(SPTLC1):c.649C>G (p.Leu217Val)

Gene: SPTLC1 (serine palmitoyltransferase long chain base subunit 1; minus strand). Cytogenetic location: 9q22.31.
Variant type: single nucleotide variant.
Coding change: c.649C>G on transcript NM_006415.4 (MANE Select); coding-DNA position 649, C replaced by G.
Protein change: p.Leu217Val; replaces leucine 217 with valine.
Molecular consequence: missense variant.
Genome position (GRCh38, 1-based): chr9:92,059,220, G>C on the plus strand (C>G on the coding strand, the complement: SPTLC1 is on the minus strand). VCF-style: chr9-92059220-G-C. GRCh37 (hg19) VCF-style: chr9-94821502-G-C.
Other names: c.649C>G, p.Leu217Val (NM_001281303.2); c.283C>G, p.Leu95Val (NM_001368272.1); c.184C>G, p.Leu62Val (NM_001368273.1); short protein forms L217V, L62V, L95V.
Identifiers: ClinVar variation 957931 (VCV000957931.9), dbSNP rs1834002962, ClinGen allele CA373795728.